The following is an entry in ClinVar:

ClinVar aggregate classification (germline): Uncertain significance. Review status: criteria provided, multiple submitters, no conflicts (2 of 4 stars). 2 submissions from 2 submitters: Uncertain significance (2). Last evaluated 2024-10-20.

Conditions:
Inborn genetic diseases. Identifiers: MedGen C0950123, MeSH D030342.

Submissions (2):

Ambry Genetics
Classification: Uncertain significance for Inborn genetic diseases. Last evaluated: 2024-10-20. Review status: criteria provided, single submitter. Criteria: Ambry Variant Classification Scheme 2023. Collection method: clinical testing. Allele origin: germline.

Labcorp Genetics (formerly Invitae), Labcorp
Classification: Uncertain significance. Last evaluated: 2022-11-01. Review status: criteria provided, single submitter. Criteria: Invitae Variant Classification Sherloc (09022015). Collection method: clinical testing. Allele origin: germline.
Comment: In summary, the available evidence is currently insufficient to determine the role of this variant in disease. Therefore, it has been classified as a Variant of Uncertain Significance. Algorithms developed to predict the effect of missense changes on protein structure and function are either unavailable or do not agree on the potential impact of this missense change (SIFT: "Not Available"; PolyPhen-2: "Possibly Damaging"; Align-GVGD: "Not Available"). This variant has not been reported in the literature in individuals affected with UNC80-related conditions. This variant is not present in population databases (gnomAD no frequency). This sequence change replaces leucine, which is neutral and non-polar, with phenylalanine, which is neutral and non-polar, at codon 2364 of the UNC80 protein (p.Leu2364Phe).

NM_001371986.1(UNC80):c.7288C>T (p.Leu2430Phe)

Gene: UNC80 (unc-80 subunit of NALCN channel complex; plus strand). Cytogenetic location: 2q34.
Variant type: single nucleotide variant.
Coding change: c.7288C>T on transcript NM_001371986.1 (MANE Select); coding-DNA position 7288, C replaced by T.
Protein change: p.Leu2430Phe; replaces leucine 2430 with phenylalanine.
Molecular consequence: missense variant.
Genome position (GRCh38, 1-based): chr2:209,954,101, C>T. VCF-style: chr2-209954101-C-T. GRCh37 (hg19) VCF-style: chr2-210818825-C-T.
Other names: c.7090C>T (NM_032504.1); c.7090C>T, p.Leu2364Phe (NM_032504.2); c.7075C>T, p.Leu2359Phe (NM_182587.4); short protein forms L2359F, L2430F, L2364F.
Identifiers: ClinVar variation 2050684 (VCV002050684.5), dbSNP rs2471194467, ClinGen allele CA350775118.